The following is an entry in ClinVar:

NM_153252.5(BRWD3):c.813+10G>C

Gene: BRWD3 (bromodomain and WD repeat domain containing 3; minus strand). Cytogenetic location: Xq21.1.
Variant type: single nucleotide variant.
Coding change: c.813+10G>C on transcript NM_153252.5 (MANE Select); 10 bases into the intron after coding-DNA position 813, G replaced by C.
Molecular consequence: intron variant.
Genome position (GRCh38, 1-based): chrX:80,744,022, C>G on the plus strand (G>C on the coding strand, the complement: BRWD3 is on the minus strand). VCF-style: chrX-80744022-C-G. GRCh37 (hg19) VCF-style: chrX-79999521-C-G.
Identifiers: ClinVar variation 96518 (VCV000096518.26), dbSNP rs55824836, ClinGen allele CA149575.
Genomic context (GRCh38, chrX:80,744,022, plus strand): 5'-TGTAACATGAAATCAGAGAATTCTCACCTTTTTTACATATGTTCAAGCTAAATTTTATCA[C>G]TTTTCTTACCTGTATGGAAGTAATAGAAGCTGAATGGCCCTGAAGGACTGCAACGGGTGC-3'

ClinVar aggregate classification (germline): Benign/Likely benign. Review status: criteria provided, multiple submitters, no conflicts (2 of 4 stars). 7 submissions from 7 submitters: Benign (4); Likely benign (2). 1 of the submissions does not count toward it. Last evaluated 2026-02-04.

Conditions:
BRWD3-related disorder. Also called: BRWD3-related condition.
Intellectual developmental disorder, X-linked 93. Also called: Intellectual disability, X-linked 93; MENTAL RETARDATION, X-LINKED, WITH MACROCEPHALY. Identifiers: MedGen C1970841, MONDO:0010393, OMIM 300659.

Allele frequency attached by ClinVar (database versions not stated): 1000 Genomes Project 0.01033; 1000 Genomes Project 30x 0.01124; gnomAD 0.01813 and 0.01875; ESP Exome Variant Server 0.01818; TOPMed 0.01853; gnomAD exomes 0.01936 and 0.02298; ExAC 0.02000.
gnomAD v4.1: 26,996 of 1,194,197 alleles (2.3%); highest among the groups gnomAD compares: Non-Finnish European, 2.5%; 250 homozygotes.

Submissions (7):

Labcorp Genetics (formerly Invitae), Labcorp
Classification: Benign. Last evaluated: 2026-02-04. Review status: criteria provided, single submitter. Criteria: Invitae Variant Classification Sherloc (09022015). Collection method: clinical testing. Allele origin: germline.

GeneDx
Classification: Likely benign. Last evaluated: 2018-11-15. Review status: criteria provided, single submitter. Criteria: GeneDx Variant Classification Process June 2021. Collection method: clinical testing. Allele origin: germline. Affected: yes.

Illumina Laboratory Services, Illumina
Classification: Benign for Intellectual developmental disorder, X-linked 93. Last evaluated: 2018-01-13. Review status: criteria provided, single submitter. Criteria: ICSL Variant Classification Criteria 13 December 2019. Collection method: clinical testing. Allele origin: germline.
Comment: This variant was observed in the ICSL laboratory as part of a predisposition screen in an ostensibly healthy population. It had not been previously curated by ICSL or reported in the Human Gene Mutation Database (HGMD: prior to June 1st, 2018), and was therefore a candidate for classification through an automated scoring system. Utilizing variant allele frequency, disease prevalence and penetrance estimates, and inheritance mode, an automated score was calculated to assess if this variant is too frequent to cause the disease. Based on the score and internal cut-off values, a variant classified as benign is not then subjected to further curation. The score for this variant resulted in a classification of benign for this disease.

Genetic Services Laboratory, University of Chicago
Classification: Benign for AllHighlyPenetrant. Last evaluated: 2013-12-11. Review status: criteria provided, single submitter. Criteria: ACMG Guidelines, 2007. Collection method: clinical testing. Allele origin: germline. Inheritance: X-linked inheritance.

Eurofins Ntd Llc (ga)
Classification: Benign. Last evaluated: 2012-11-26. Review status: criteria provided, single submitter. Criteria: EGL Classification Definitions 2015. Collection method: clinical testing. Allele origin: germline. Observed: 1 variant allele, 1 hemizygote.

Breakthrough Genomics
Classification: Likely benign. Review status: criteria provided, single submitter. Criteria: ACMG Guidelines, 2015. Collection method: not provided. Allele origin: germline. Inheritance: X-linked inheritance. Affected: yes.

PreventionGenetics, part of Exact Sciences
Classification: Benign for BRWD3-related condition. Last evaluated: 2019-04-11. Review status: no assertion criteria provided. Collection method: clinical testing. Allele origin: germline. Not counted in ClinVar's aggregate classification.
Comment: This variant is classified as benign based on ACMG/AMP sequence variant interpretation guidelines (Richards et al. 2015 PMID: 25741868, with internal and published modifications).